The following is an entry in ClinVar:

NM_004656.4(BAP1):c.287T>G (p.Leu96Trp)

Gene: BAP1 (BRCA1 associated deubiquitinase 1; minus strand). Cytogenetic location: 3p21.1.
Variant type: single nucleotide variant.
Coding change: c.287T>G on transcript NM_004656.4 (MANE Select); coding-DNA position 287, T replaced by G.
Protein change: p.Leu96Trp; replaces leucine 96 with tryptophan.
Molecular consequence: missense variant.
Genome position (GRCh38, 1-based): chr3:52,408,046, A>C on the plus strand (T>G on the coding strand, the complement: BAP1 is on the minus strand). VCF-style: chr3-52408046-A-C. GRCh37 (hg19) VCF-style: chr3-52442062-A-C.
Other names: c.287T>G, p.Leu96Trp (NM_001410772.1); short protein forms L96W.
Identifiers: ClinVar variation 2714657 (VCV002714657.4), dbSNP rs2153228131, ClinGen allele CA353112509.
Genomic context (GRCh38, chr3:52,408,046, plus strand): 5'-TTCATGCGACTCAGGGTGGGTCCCAGGTCCACGCTGCTGCAGTTCAGGAGCACGCTCAGC[A>C]AGGCATGAGTTGCACAAGAGTTGGGTATCAGCTGTGAAACCAAGAATAGTCACCCATACA-3'
Protein context (NP_004647.1, residues 86-106): LIPNSCATHA[Leu96Trp]LSVLLNCSSV

ClinVar aggregate classification (germline): Uncertain significance. Review status: criteria provided, multiple submitters, no conflicts (2 of 4 stars). 2 submissions from 2 submitters: Uncertain significance (2). Last evaluated 2026-07-01.

Conditions:
BAP1-related tumor predisposition syndrome (TPDS1). Also called: TUMOR PREDISPOSITION SYNDROME 1; COMMON Syndrome; BAP1 tumor predisposition syndrome; Tumor susceptibility linked to germline BAP1 mutations. Identifiers: Orphanet 289539, MedGen C3280492, MONDO:0013692, OMIM 614327.
Hereditary cancer-predisposing syndrome. Also called: Hereditary Cancer Syndrome; Hereditary neoplastic syndrome; Neoplastic Syndromes, Hereditary; Tumor predisposition. Identifiers: Orphanet 140162, MedGen C0027672, MeSH D009386, MONDO:0015356.

Submissions (2):

Ambry Genetics
Classification: Uncertain significance for Hereditary cancer-predisposing syndrome. Last evaluated: 2026-07-01. Review status: criteria provided, single submitter. Criteria: Ambry Variant Classification Scheme 2023. Collection method: clinical testing. Allele origin: germline.
Comment: The p.L96W variant (also known as c.287T>G), located in coding exon 5 of the BAP1 gene, results from a T to G substitution at nucleotide position 287. The leucine at codon 96 is replaced by tryptophan, an amino acid with similar properties. This amino acid position is conserved. In addition, this alteration is predicted to be deleterious by in silico analysis. Based on the available evidence, the clinical significance of this variant remains unclear.

Labcorp Genetics (formerly Invitae), Labcorp
Classification: Uncertain significance for BAP1-related tumor predisposition syndrome. Last evaluated: 2024-02-23. Review status: criteria provided, single submitter. Criteria: Invitae Variant Classification Sherloc (09022015). Collection method: clinical testing. Allele origin: germline.
Comment: This sequence change replaces leucine, which is neutral and non-polar, with tryptophan, which is neutral and slightly polar, at codon 96 of the BAP1 protein (p.Leu96Trp). This variant is not present in population databases (gnomAD no frequency). This variant has not been reported in the literature in individuals affected with BAP1-related conditions. Advanced modeling of protein sequence and biophysical properties (such as structural, functional, and spatial information, amino acid conservation, physicochemical variation, residue mobility, and thermodynamic stability) performed at Invitae indicates that this missense variant is expected to disrupt BAP1 protein function with a positive predictive value of 80%. In summary, the available evidence is currently insufficient to determine the role of this variant in disease. Therefore, it has been classified as a Variant of Uncertain Significance.